The following is an entry in ClinVar:

ClinVar aggregate classification (germline): Uncertain significance (1 of 4 stars; one submission).

Conditions:
Familial adenomatous polyposis 1 (FAP1). Also called: FAMILIAL ADENOMATOUS POLYPOSIS 1, ATTENUATED; POLYPOSIS, ADENOMATOUS INTESTINAL. Identifiers: MedGen C2713442, MONDO:0021056, OMIM 175100. Disease mechanism: loss of function.

Allele frequency attached by ClinVar (database versions not stated): gnomAD exomes below 0.00001.
gnomAD v4.1: 1 of 1,160,732 alleles (0.000086%); highest among the groups gnomAD compares: Non-Finnish European, 0.00012%; no homozygotes.

Submission:

Labcorp Genetics (formerly Invitae), Labcorp
Classification: Uncertain significance for Familial adenomatous polyposis 1. Last evaluated: 2020-10-07. Review status: criteria provided, single submitter. Criteria: Invitae Variant Classification Sherloc (09022015). Collection method: clinical testing. Allele origin: germline.
Comment: In summary, the available evidence is currently insufficient to determine the role of this variant in disease. Therefore, it has been classified as a Variant of Uncertain Significance. Experimental studies and prediction algorithms are not available or were not evaluated, and the functional significance of this variant is currently unknown. This variant has not been reported in the literature in individuals with APC-related conditions. ClinVar contains an entry for this variant (Variation ID: 640832). The frequency data for this variant in the population databases is considered unreliable, as metrics indicate insufficient coverage at this position in the ExAC database. This variant occurs in a non-coding region of the APC gene. It does not change the encoded amino acid sequence of the APC protein.

NM_001127511.3(APC):c.-115T>C

Gene: APC (APC regulator of Wnt signaling pathway; plus strand). Cytogenetic location: 5q22.2.
Variant type: single nucleotide variant.
Coding change: c.-115T>C on transcript NM_001127511.3; 115 bases upstream of the start codon, T replaced by C.
Molecular consequence: 5 prime UTR variant. On other transcripts: non-coding transcript variant (2).
Genome position (GRCh38, 1-based): chr5:112,707,603, T>C. VCF-style: chr5-112707603-T-C. GRCh37 (hg19) VCF-style: chr5-112043300-T-C.
Other names: c.-115T>C (NM_001407446.1, NM_001354897.2, NM_001354902.2); c.-298T>C (NM_001407447.1, NM_001407452.1, NM_001407456.1 and 3 more transcripts); c.-65T>C (NM_001407448.1, NM_001407450.1, NM_001407457.1 and 1 more transcripts); c.-89T>C (NM_001407453.1); c.-1333T>C (NM_001407470.1, NM_001407472.1).
Identifiers: ClinVar variation 640832 (VCV000640832.6), dbSNP rs1580996349, ClinGen allele CA915943585.
Genomic context (GRCh38, chr5:112,707,603, plus strand): 5'-GCAAGGGGGCGGGGTGTGGCCGCCGGAAGCCTAGCCGCTGCTCGGGGGGGACCTGCGGGC[T>C]CAGGCCCGGGAGCTGCGGACCGAGGTTGGCTCGATGCTGTTCCCAGGTACTGTTGTTGGC-3'